The following is an entry in ClinVar:

ClinVar aggregate classification (germline): Pathogenic. Review status: reviewed by expert panel (3 of 4 stars). 4 submissions from 4 submitters: Pathogenic (1). 3 of the submissions do not count toward it. Last evaluated 2025-01-07.

Conditions:
Creatine transporter deficiency (CCDS1). Also called: Creatine Transporter (CRTR) Deficiency; CEREBRAL CREATINE DEFICIENCY SYNDROME 1; Mental retardation , X-linked with seizures, short stature and midface hypoplasia; Mental retardation , X-linked, with creatine transport deficiency; X-linked creatine transporter deficiency; X-linked creatine deficiency syndrome. Identifiers: Orphanet 52503, MedGen C1845862, MONDO:0010305, OMIM 300352.

Submissions (4):

ClinGen Cerebral Creatine Deficiency Syndromes Variant Curation Expert Panel, ClinGen
Classification: Pathogenic for Creatine transporter deficiency. Last evaluated: 2025-01-07. Review status: reviewed by expert panel. Criteria: ClinGen_CCDS_ACMG_Specifications_SLC6A8_v1.1. Collection method: curation. Allele origin: germline. Inheritance: X-linked inheritance.
Comment: The NM_005629.4:c.1661C>T variant in SLC6A8 is predicted to result in the substitution of proline by leucine at amino acid 554 (p.Pro554Leu). This variant has also been reported in another 4 unrelated probands, all with clinical features consistent with creatine transporter deficiency. 33164824) (PS4_Moderate). Supportive biochemical, MRS, or creatine uptake results are not available for the other two patients (PMID: 23660394, 30293248). One proband has an affected brother, with elevated creatine/creatinine ratio in urine and deficient creatine transport in fibroblasts; their mother is heterozygous for the variant and has mild learning difficulties (PMID: 15690373) (2 segregations, PP1_Moderate). Segregation of the clinical symptoms with the variant has been reported in other families, but no biochemical, MRS, or creatine uptake studies were performed in the affected individuals and, therefore, this data will not be counted towards PP1 (PMID: 15154114 - 5 segregations; PMID: 33164824). The variant is not in gnomAD v2.1.1. and v4.1.0. (PM2_Supporting). Overexpression of the variant in SLC6A8-deficient fibroblasts did not result in a significant increase in creatine transport. Studies were carried out with 500uM creatine (PMID: 17465020). The CCDS VCEP requires that studies are carried out with <125uM creatine. Therefore, PS3 is not met. The computational predictor REVEL gives a score of 0.937 which is above the threshold of 0.75, evidence that correlates with impact to SLC6A8 function (PP3). There is a ClinVar entry for this variant (Variant ID: 65693). In summary, this variant meets the criteria to be classified as pathogenic for creatine transporter deficiency. SLC6A8-specific ACMG/AMP criteria applied, as specified by the ClinGen Cerebral Creatine Deficiencies Variant Curation Expert Panel (Specifications Version 1.1.0): PP4_Strong, PS4_Moderate, PP1_Moderate, PP3, PM2_Supporting. )Classification approved by the ClinGen Cerebral Creatine Deficiencies Variant Curation Expert Panel on Jan 7, 2025).

GeneDx
Classification: Pathogenic. Last evaluated: 2025-10-02. Review status: criteria provided, single submitter. Criteria: GeneDx Variant Classification Process June 2021. Collection method: clinical testing. Allele origin: germline. Not counted in ClinVar's aggregate classification.
Comment: Published functional studies demonstrate significantly reduced creatine uptake activity (PMID: 17465020); Not observed at significant frequency in large population cohorts (gnomAD); In silico analysis supports that this missense variant has a deleterious effect on protein structure/function; This variant is associated with the following publications: (PMID: 33164824, 17465020, 22281021, 25803912, 23408511, 15154114, 39039281)

Labcorp Genetics (formerly Invitae), Labcorp
Classification: Pathogenic for Creatine transporter deficiency. Last evaluated: 2025-04-23. Review status: criteria provided, single submitter. Criteria: Invitae Variant Classification Sherloc (09022015). Collection method: clinical testing. Allele origin: germline. Not counted in ClinVar's aggregate classification.
Comment: This sequence change replaces proline, which is neutral and non-polar, with leucine, which is neutral and non-polar, at codon 554 of the SLC6A8 protein (p.Pro554Leu). This variant is not present in population databases (gnomAD no frequency). This missense change has been observed in individuals with creatine transporter deficiency and X-linked mental retardation due to SLC6A8-deficiency (PMID: 15154114, 21836662, 23660394, 25803912). It has also been observed to segregate with disease in related individuals. ClinVar contains an entry for this variant (Variation ID: 65693). Invitae Evidence Modeling of protein sequence and biophysical properties (such as structural, functional, and spatial information, amino acid conservation, physicochemical variation, residue mobility, and thermodynamic stability) indicates that this missense variant is expected to disrupt SLC6A8 protein function with a positive predictive value of 95%. Experimental studies have shown that this missense change affects SLC6A8 function (PMID: 17465020). For these reasons, this variant has been classified as Pathogenic.

Institute of Human Genetics Munich, TUM University Hospital
Classification: Pathogenic for Creatine transporter deficiency. Last evaluated: 2019-06-07. Review status: criteria provided, single submitter. Criteria: Classification criteria August 2017. Collection method: clinical testing. Allele origin: germline. Inheritance: X-linked inheritance. Affected: yes. Observed: 1 hemizygote. Not counted in ClinVar's aggregate classification.

Literature cited by the submitters: PubMed 15154114 (cited by Labcorp Genetics (formerly Invitae), Labcorp); PubMed 21836662 (cited by Labcorp Genetics (formerly Invitae), Labcorp); PubMed 23660394 (cited by Labcorp Genetics (formerly Invitae), Labcorp); PubMed 25803912 (cited by Labcorp Genetics (formerly Invitae), Labcorp); PubMed 17465020 (cited by Labcorp Genetics (formerly Invitae), Labcorp).

NM_005629.4(SLC6A8):c.1661C>T (p.Pro554Leu)

Gene: SLC6A8 (solute carrier family 6 member 8; plus strand). Cytogenetic location: Xq28.
Variant type: single nucleotide variant.
Coding change: c.1661C>T on transcript NM_005629.4 (MANE Select); coding-DNA position 1661, C replaced by T.
Protein change: p.Pro554Leu; replaces proline 554 with leucine.
Molecular consequence: missense variant.
Genome position (GRCh38, 1-based): chrX:153,694,783, C>T. VCF-style: chrX-153694783-C-T. GRCh37 (hg19) VCF-style: chrX-152960238-C-T.
Other names: NM_005629.4(SLC6A8):c.1661C>T; c.1631C>T, p.Pro544Leu (NM_001142805.2); c.1316C>T, p.Pro439Leu (NM_001142806.1); short protein forms P554L, P544L, P439L.
Identifiers: ClinVar variation 65693 (VCV000065693.16), dbSNP rs397515559, ClinGen allele CA345036.
Genomic context (GRCh38, chrX:153,694,783, plus strand): 5'-TCTTCATCTTCAACGTTGTGTACTACGAGCCGCTGGTCTACAACAACACCTACGTGTACC[C>T]GTGGTGGGGTGAGGCCATGGGCTGGGCCTTCGCCCTGTCCTCCATGCTGTGCGTGCCGCT-3'
Protein context (NP_005620.1, residues 544-564): PLVYNNTYVY[Pro554Leu]WWGEAMGWAF